The following is an entry in ClinVar:

ClinVar aggregate classification (germline): Uncertain significance (1 of 4 stars; one submission).

Conditions:
Hereditary cancer-predisposing syndrome. Also called: Tumor predisposition; Hereditary neoplastic syndrome; Neoplastic Syndromes, Hereditary; Hereditary Cancer Syndrome. Identifiers: Orphanet 140162, MedGen C0027672, MeSH D009386, MONDO:0015356.

Submission:

Ambry Genetics
Classification: Uncertain significance for Hereditary cancer-predisposing syndrome. Last evaluated: 2025-05-24. Review status: criteria provided, single submitter. Criteria: Ambry Variant Classification Scheme 2023. Collection method: clinical testing. Allele origin: germline.
Comment: The p.P350Q variant (also known as c.1049C>A), located in coding exon 9 of the CHEK2 gene, results from a C to A substitution at nucleotide position 1049. The proline at codon 350 is replaced by glutamine, an amino acid with similar properties. This amino acid position is conserved. In addition, this alteration is predicted to be deleterious by in silico analysis. Based on the available evidence, the clinical significance of this variant remains unclear.

NM_007194.4(CHEK2):c.1049C>A (p.Pro350Gln)

Gene: CHEK2 (checkpoint kinase 2; minus strand). Cytogenetic location: 22q12.1.
Variant type: single nucleotide variant.
Coding change: c.1049C>A on transcript NM_007194.4 (MANE Select); coding-DNA position 1049, C replaced by A.
Protein change: p.Pro350Gln; replaces proline 350 with glutamine.
Molecular consequence: missense variant. On other transcripts: intron variant (3).
Genome position (GRCh38, 1-based): chr22:28,696,947, G>T on the plus strand (C>A on the coding strand, the complement: CHEK2 is on the minus strand). VCF-style: chr22-28696947-G-T. GRCh37 (hg19) VCF-style: chr22-29092935-G-T.
Other names: c.1178C>A, p.Pro393Gln (NM_001005735.3); c.386C>A, p.Pro129Gln (NM_001257387.3, NM_001437942.1); c.848C>A, p.Pro283Gln (NM_001349956.3); c.1142C>A, p.Pro381Gln (NM_001438293.1); c.1009-1074C>A (NM_145862.3); c.1102-1074C>A (NM_001438295.1); c.1138-1074C>A (NM_001438294.1); short protein forms P129Q, P393Q, P283Q, P350Q, P381Q.
Identifiers: ClinVar variation 4002272 (VCV004002272.1).
Genomic context (GRCh38, chr22:28,696,947, plus strand): 5'-TGCCAATTTCTTACCTTTATAAGACAGTCCTCTTCTTGAGATGACAGTAAAACATTCTCT[G>T]GCTTTAAGTCACGGTGTATAATACCGTTTTCATGAAGGTACTACACAGAAAGGCAGGCAT-3'
Protein context (NP_009125.1, residues 340-360): ENGIIHRDLK[Pro350Gln]ENVLLSSQEE